The following is an entry in ClinVar:

NM_058246.4(DNAJB6):c.970G>T (p.Gly324Cys)

Gene: DNAJB6 (DnaJ heat shock protein family (Hsp40) member B6; plus strand). Cytogenetic location: 7q36.3.
Variant type: single nucleotide variant.
Coding change: c.970G>T on transcript NM_058246.4 (MANE Select); coding-DNA position 970, G replaced by T.
Protein change: p.Gly324Cys; replaces glycine 324 with cysteine.
Molecular consequence: missense variant.
Genome position (GRCh38, 1-based): chr7:157,416,087, G>T. VCF-style: chr7-157416087-G-T. GRCh37 (hg19) VCF-style: chr7-157208781-G-T.
Other names: c.625G>T, p.Gly209Cys (NM_001363676.1); short protein forms G209C, G324C.
Identifiers: ClinVar variation 2067669 (VCV002067669.5), dbSNP rs1405569854, ClinGen allele CA370167730.

ClinVar aggregate classification (germline): Uncertain significance. Review status: criteria provided, multiple submitters, no conflicts (2 of 4 stars). 2 submissions from 2 submitters: Uncertain significance (2). Last evaluated 2023-04-17.

Conditions:
Autosomal dominant limb-girdle muscular dystrophy type 1D (DNAJB6) (LGMDD1). Also called: MUSCULAR DYSTROPHY, LIMB-GIRDLE, TYPE 1D; Autosomal dominant limb-girdle muscular dystrophy type 1D; Muscular dystrophy, limb-girdle, autosomal dominant 1; MUSCULAR DYSTROPHY, AUTOSOMAL DOMINANT, WITH RIMMED VACUOLES. Identifiers: Orphanet 34516, MedGen C4721885, MONDO:0021018, OMIM 603511.

Allele frequency attached by ClinVar (database versions not stated): gnomAD 0.00001; gnomAD exomes 0.00001.
gnomAD v4.1: 10 of 1,613,714 alleles (0.00062%); highest among the groups gnomAD compares: Admixed American, 0.0017%; no homozygotes.

Submissions (2):

Blueprint Genetics
Classification: Uncertain significance. Last evaluated: 2023-04-17. Review status: criteria provided, single submitter. Criteria: ACMG Guidelines, 2015. Collection method: clinical testing. Allele origin: germline.

Labcorp Genetics (formerly Invitae), Labcorp
Classification: Uncertain significance for Autosomal dominant limb-girdle muscular dystrophy type 1D (DNAJB6). Last evaluated: 2023-02-10. Review status: criteria provided, single submitter. Criteria: Invitae Variant Classification Sherloc (09022015). Collection method: clinical testing. Allele origin: germline.
Comment: This sequence change replaces glycine, which is neutral and non-polar, with cysteine, which is neutral and slightly polar, at codon 324 of the DNAJB6 protein (p.Gly324Cys). In summary, the available evidence is currently insufficient to determine the role of this variant in disease. Therefore, it has been classified as a Variant of Uncertain Significance. Advanced modeling of protein sequence and biophysical properties (such as structural, functional, and spatial information, amino acid conservation, physicochemical variation, residue mobility, and thermodynamic stability) performed at Invitae indicates that this missense variant is expected to disrupt DNAJB6 protein function. This missense change has been observed in individual(s) with limb-girdle weakness (PMID: 32528171). The frequency data for this variant in the population databases is considered unreliable, as metrics indicate poor data quality at this position in the gnomAD database.

Literature cited by the submitters: PubMed 32528171 (cited by Labcorp Genetics (formerly Invitae), Labcorp).